The following is an entry in ClinVar:

NM_003072.5(SMARCA4):c.1849del (p.Pro616_Val617insTer)

Gene: SMARCA4 (SWI/SNF related BAF chromatin remodeling complex subunit ATPase 4; plus strand). Cytogenetic location: 19p13.2.
Variant type: Deletion.
Coding change: c.1849del on transcript NM_003072.5 (MANE Select); coding-DNA position 1849, one base deleted (G; older notation c.1849delG).
Protein change: p.Pro616_Val617insTer.
Molecular consequence: nonsense. On other transcripts: non-coding transcript variant (1).
Genome position (GRCh38, 1-based): chr19:11,003,065, G deleted; the last of 2 consecutive G bases (chr19:11,003,064-11,003,065); deleting either gives the same sequence. VCF-style (leftmost placement, unchanged base first): chr19-11003063-CG-C. GRCh37 (hg19) VCF-style: chr19-11113739-CG-C.
Other names: c.1849del, p.Pro616_Val617insTer (NM_001128844.3, NM_001128845.2, NM_001128846.2 and 6 more transcripts).
Identifiers: ClinVar variation 4813023 (VCV004813023.1).

ClinVar aggregate classification (germline): Pathogenic (1 of 4 stars; one submission).

Conditions:
Rhabdoid tumor predisposition syndrome 2 (RTPS2). Identifiers: Orphanet 231108, Orphanet 69077, MedGen C2750074, MONDO:0013224, OMIM 613325.

Submission:

Myriad Genetics, Inc.
Classification: Pathogenic for Rhabdoid tumor predisposition syndrome 2. Last evaluated: 2025-12-16. Review status: criteria provided, single submitter. Criteria: Myriad Autosomal Dominant, Autosomal Recessive and X-Linked Classification Criteria (2023). Collection method: clinical testing. Allele origin: unknown.
Comment: This variant is considered pathogenic. This variant creates a termination codon and is predicted to result in premature protein truncation.